The following is an entry in ClinVar:

ClinVar aggregate classification (germline): Uncertain significance. Review status: criteria provided, multiple submitters, no conflicts (2 of 4 stars). 2 submissions from 2 submitters: Uncertain significance (2). Last evaluated 2025-12-24.

Allele frequency attached by ClinVar (database versions not stated): TOPMed 0.00002; gnomAD exomes 0.00006; gnomAD 0.00005; ExAC 0.00002.
gnomAD v4.1: 99 of 1,614,016 alleles (0.0061%); highest among the groups gnomAD compares: Non-Finnish European, 0.0081%; no homozygotes.

Submissions (2):

Labcorp Genetics (formerly Invitae), Labcorp
Classification: Uncertain significance. Last evaluated: 2025-12-24. Review status: criteria provided, single submitter. Criteria: Invitae Variant Classification Sherloc (09022015). Collection method: clinical testing. Allele origin: germline.
Comment: This sequence change replaces tyrosine, which is neutral and polar, with histidine, which is basic and polar, at codon 313 of the RFWD3 protein (p.Tyr313His). This variant is present in population databases (rs759451651, gnomAD 0.007%). This variant has not been reported in the literature in individuals affected with RFWD3-related conditions. ClinVar contains an entry for this variant (Variation ID: 2321940). An algorithm developed to predict the effect of missense changes on protein structure and function (PolyPhen-2) suggests that this variant is likely to be tolerated. In summary, the available evidence is currently insufficient to determine the role of this variant in disease. Therefore, it has been classified as a Variant of Uncertain Significance.

Ambry Genetics
Classification: Uncertain significance. Last evaluated: 2021-06-18. Review status: criteria provided, single submitter. Criteria: Ambry Variant Classification Scheme 2023. Collection method: clinical testing. Allele origin: germline.

NM_018124.4(RFWD3):c.937T>C (p.Tyr313His)

Gene: RFWD3 (ring finger and WD repeat domain 3; minus strand). Cytogenetic location: 16q23.1.
Variant type: single nucleotide variant.
Coding change: c.937T>C on transcript NM_018124.4 (MANE Select); coding-DNA position 937, T replaced by C.
Protein change: p.Tyr313His; replaces tyrosine 313 with histidine.
Molecular consequence: missense variant.
Genome position (GRCh38, 1-based): chr16:74,644,591, A>G on the plus strand (T>C on the coding strand, the complement: RFWD3 is on the minus strand). VCF-style: chr16-74644591-A-G. GRCh37 (hg19) VCF-style: chr16-74678489-A-G.
Other names: c.937T>C, p.Tyr313His (NM_001370534.1, NM_001370535.1, NM_001370536.1); c.103T>C, p.Tyr35His (NM_001370537.1, NM_001370539.1, NM_001370540.1 and 3 more transcripts); short protein forms Y313H, Y35H.
Identifiers: ClinVar variation 2321940 (VCV002321940.4), dbSNP rs759451651, ClinGen allele CA8169392.